The following is an entry in ClinVar:

ClinVar aggregate classification (germline): Uncertain significance. Review status: criteria provided, multiple submitters, no conflicts (2 of 4 stars). 2 submissions from 2 submitters: Uncertain significance (2). Last evaluated 2021-08-24.

Conditions:
Giant axonal neuropathy 1 (GAN1). Also called: GAN-Related Neurodegeneration; GIANT AXONAL NEUROPATHY 1, AUTOSOMAL RECESSIVE. Identifiers: Orphanet 643, MedGen C1850386, MONDO:0009749, OMIM 256850.

Submissions (2):

Labcorp Genetics (formerly Invitae), Labcorp
Classification: Uncertain significance for Giant axonal neuropathy 1. Last evaluated: 2021-08-24. Review status: criteria provided, single submitter. Criteria: Invitae Variant Classification Sherloc (09022015). Collection method: clinical testing. Allele origin: germline.
Comment: This sequence change replaces histidine with arginine at codon 147 of the GAN protein (p.His147Arg). The histidine residue is highly conserved and there is a small physicochemical difference between histidine and arginine. This variant is not present in population databases (ExAC no frequency). This variant has not been reported in the literature in individuals affected with GAN-related conditions. Algorithms developed to predict the effect of missense changes on protein structure and function (SIFT, PolyPhen-2, Align-GVGD) all suggest that this variant is likely to be tolerated. In summary, the available evidence is currently insufficient to determine the role of this variant in disease. Therefore, it has been classified as a Variant of Uncertain Significance.

Illumina Laboratory Services, Illumina
Classification: Uncertain significance for Giant axonal neuropathy 1. Last evaluated: 2018-01-13. Review status: criteria provided, single submitter. Criteria: ICSL Variant Classification Criteria 13 December 2019. Collection method: clinical testing. Allele origin: germline.

NM_022041.4(GAN):c.440A>G (p.His147Arg)

Gene: GAN (gigaxonin; plus strand). Cytogenetic location: 16q23.2.
Variant type: single nucleotide variant.
Coding change: c.440A>G on transcript NM_022041.4 (MANE Select); coding-DNA position 440, A replaced by G.
Protein change: p.His147Arg; replaces histidine 147 with arginine.
Molecular consequence: missense variant. On other transcripts: 5 prime UTR variant (1).
Genome position (GRCh38, 1-based): chr16:81,354,562, A>G. VCF-style: chr16-81354562-A-G. GRCh37 (hg19) VCF-style: chr16-81388167-A-G.
Other names: c.-200A>G (NM_001377486.1); short protein forms H147R.
Identifiers: ClinVar variation 887049 (VCV000887049.10), dbSNP rs763438490, ClinGen allele CA396868364.